The following is an entry in ClinVar:

ClinVar aggregate classification (germline): Uncertain significance (1 of 4 stars; one submission).

gnomAD v4.1: 3 of 1,613,672 alleles (0.00019%); highest among the groups gnomAD compares: Non-Finnish European, 0.00025%; no homozygotes.

Submission:

Labcorp Genetics (formerly Invitae), Labcorp
Classification: Uncertain significance. Last evaluated: 2024-10-06. Review status: criteria provided, single submitter. Criteria: Invitae Variant Classification Sherloc (09022015). Collection method: clinical testing. Allele origin: germline.
Comment: This sequence change replaces valine, which is neutral and non-polar, with glycine, which is neutral and non-polar, at codon 134 of the MMP13 protein (p.Val134Gly). This variant is not present in population databases (gnomAD no frequency). This variant has not been reported in the literature in individuals affected with MMP13-related conditions. Invitae Evidence Modeling of protein sequence and biophysical properties (such as structural, functional, and spatial information, amino acid conservation, physicochemical variation, residue mobility, and thermodynamic stability) indicates that this missense variant is expected to disrupt MMP13 protein function with a positive predictive value of 80%. In summary, the available evidence is currently insufficient to determine the role of this variant in disease. Therefore, it has been classified as a Variant of Uncertain Significance.

NM_002427.4(MMP13):c.401T>G (p.Val134Gly)

Gene: MMP13 (matrix metallopeptidase 13; minus strand). Cytogenetic location: 11q22.2.
Variant type: single nucleotide variant.
Coding change: c.401T>G on transcript NM_002427.4 (MANE Select); coding-DNA position 401, T replaced by G.
Protein change: p.Val134Gly; replaces valine 134 with glycine.
Molecular consequence: missense variant.
Genome position (GRCh38, 1-based): chr11:102,954,568, A>C on the plus strand (T>G on the coding strand, the complement: MMP13 is on the minus strand). VCF-style: chr11-102954568-A-C. GRCh37 (hg19) VCF-style: chr11-102825297-A-C.
Other names: short protein forms V134G.
Identifiers: ClinVar variation 3674342 (VCV003674342.2).
Genomic context (GRCh38, chr11:102,954,568, plus strand): 5'-GTAAAATTCAGAGGAGTTACATCGGACCAAACTTTGAAGGCTTTTTTGAATGCCTTTTCG[A>C]CTTCAGAATGAGTCATATCAGGGGTGTAATTCACAATTCTATTTAACAGAGAAAGTTTCA-3'
Protein context (NP_002418.1, residues 124-144): NYTPDMTHSE[Val134Gly]EKAFKKAFKV